The following is an entry in ClinVar:

ClinVar aggregate classification (germline): Uncertain significance. Review status: criteria provided, multiple submitters, no conflicts (2 of 4 stars). 3 submissions from 3 submitters: Uncertain significance (3). Last evaluated 2026-08-24.

Conditions:
Atrioventricular septal defect 4 (AVSD4). Identifiers: MedGen C3280781, MONDO:0013747, OMIM 614430.
Cardiovascular phenotype. Identifiers: MedGen CN230736.

Allele frequency attached by ClinVar (database versions not stated): ExAC 0.00001; gnomAD exomes 0.00001 and 0.00002; gnomAD 0.00001; TOPMed 0.00001.
gnomAD v4.1: 33 of 1,614,090 alleles (0.002%); highest among the groups gnomAD compares: Non-Finnish European, 0.0026%; no homozygotes.

Submissions (3):

GeneDx
Classification: Uncertain significance. Last evaluated: 2026-08-24. Review status: criteria provided, single submitter. Criteria: GeneDx Variant Classification Process June 2021. Collection method: clinical testing. Allele origin: germline.
Comment: Not observed at significant frequency in large population cohorts (gnomAD); In silico analysis suggests that this missense variant does not alter protein structure/function; This variant is associated with the following publications: (PMID: 42584835)

Labcorp Genetics (formerly Invitae), Labcorp
Classification: Uncertain significance for Atrioventricular septal defect 4. Last evaluated: 2026-01-14. Review status: criteria provided, single submitter. Criteria: Invitae Variant Classification Sherloc (09022015). Collection method: clinical testing. Allele origin: germline.
Comment: This sequence change replaces aspartic acid, which is acidic and polar, with asparagine, which is neutral and polar, at codon 434 of the GATA4 protein (p.Asp434Asn). This variant is present in population databases (rs745543448, gnomAD 0.002%). This variant has not been reported in the literature in individuals affected with GATA4-related conditions. ClinVar contains an entry for this variant (Variation ID: 1314353). Invitae Evidence Modeling of protein sequence and biophysical properties (such as structural, functional, and spatial information, amino acid conservation, physicochemical variation, residue mobility, and thermodynamic stability) indicates that this missense variant is not expected to disrupt GATA4 protein function with a negative predictive value of 95%. In summary, the available evidence is currently insufficient to determine the role of this variant in disease. Therefore, it has been classified as a Variant of Uncertain Significance.

Ambry Genetics
Classification: Uncertain significance for Cardiovascular phenotype. Last evaluated: 2025-01-21. Review status: criteria provided, single submitter. Criteria: Ambry Variant Classification Scheme 2023. Collection method: clinical testing. Allele origin: germline.
Comment: The p.D434N variant (also known as c.1300G>A), located in coding exon 6 of the GATA4 gene, results from a G to A substitution at nucleotide position 1300. The aspartic acid at codon 434 is replaced by asparagine, an amino acid with highly similar properties. This amino acid position is conserved. In addition, the in silico prediction for this alteration is inconclusive. Since supporting evidence is limited at this time, the clinical significance of this alteration remains unclear.

NM_001308093.3(GATA4):c.1303G>A (p.Asp435Asn)

Gene: GATA4 (GATA binding protein 4). Cytogenetic location: 8p23.1.
Variant type: single nucleotide variant.
Coding change: c.1303G>A on transcript NM_001308093.3 (MANE Select); coding-DNA position 1303, G replaced by A.
Protein change: p.Asp435Asn; replaces aspartic acid 435 with asparagine.
Molecular consequence: missense variant.
Genome position (GRCh38, 1-based): chr8:11,758,446, G>A. VCF-style: chr8-11758446-G-A. GRCh37 (hg19) VCF-style: chr8-11615955-G-A.
Other names: c.682G>A, p.Asp228Asn (NM_001308094.2, NM_001374273.1); c.556G>A, p.Asp186Asn (NM_001374274.1); c.1300G>A, p.Asp434Asn (NM_002052.5); short protein forms D186N, D228N, D434N, D435N.
Identifiers: ClinVar variation 1314353 (VCV001314353.11), dbSNP rs745543448, ClinGen allele CA4630908.